The following is an entry in ClinVar:

ClinVar aggregate classification (germline): Uncertain significance (1 of 4 stars; one submission).

Conditions:
Inborn genetic diseases. Identifiers: MedGen C0950123, MeSH D030342.

gnomAD v4.1: 2 of 1,613,892 alleles (0.00012%); highest among the groups gnomAD compares: South Asian, 0.0022%; no homozygotes.

Submission:

Ambry Genetics
Classification: Uncertain significance for Inborn genetic diseases. Last evaluated: 2025-02-22. Review status: criteria provided, single submitter. Criteria: Ambry Variant Classification Scheme 2023. Collection method: clinical testing. Allele origin: germline.
Comment: The p.A1057T variant (also known as c.3169G>A), located in coding exon 1 of the SAMD9 gene, results from a G to A substitution at nucleotide position 3169. The alanine at codon 1057 is replaced by threonine, an amino acid with similar properties. This amino acid position is conserved. In addition, this alteration is predicted to be tolerated by in silico analysis. Based on the available evidence, the clinical significance of this variant remains unclear.

NM_017654.4(SAMD9):c.3169G>A (p.Ala1057Thr)

Gene: SAMD9 (sterile alpha motif domain containing 9; minus strand). Cytogenetic location: 7q21.2.
Variant type: single nucleotide variant.
Coding change: c.3169G>A on transcript NM_017654.4 (MANE Select); coding-DNA position 3169, G replaced by A.
Protein change: p.Ala1057Thr; replaces alanine 1057 with threonine.
Molecular consequence: missense variant.
Genome position (GRCh38, 1-based): chr7:93,102,929, C>T on the plus strand (G>A on the coding strand, the complement: SAMD9 is on the minus strand). VCF-style: chr7-93102929-C-T. GRCh37 (hg19) VCF-style: chr7-92732242-C-T.
Other names: c.3169G>A, p.Ala1057Thr (NM_001193307.2); short protein forms A1057T.
Identifiers: ClinVar variation 3792119 (VCV003792119.1).
Genomic context (GRCh38, chr7:93,102,929, plus strand): 5'-GATGGATACTTTCAAGCAATACAGCTTCAACTGCTTCATTTCCTTCATCTTTATGTAATG[C>T]TTCAATAAATGGGGAAAACCAATTTCCTGTTTCACCTTCATGTTCATCGCGGTGTCTTGT-3'
Protein context (NP_060124.2, residues 1047-1067): TGNWFSPFIE[Ala1057Thr]LHKDEGNEAV